The following is an entry in ClinVar:

NM_000059.4(BRCA2):c.7142del (p.Pro2381fs)

Gene: BRCA2 (BRCA2 DNA repair associated; plus strand). Cytogenetic location: 13q13.1.
Variant type: Deletion.
Coding change: c.7142del on transcript NM_000059.4 (MANE Select); coding-DNA position 7142, one base deleted (C; older notation c.7142delC).
Protein change: p.Pro2381fs; shifts the reading frame from proline 2381.
Molecular consequence: frameshift variant.
Genome position (GRCh38, 1-based): chr13:32,354,995, C deleted; the last of 2 consecutive C bases (chr13:32,354,994-32,354,995); deleting either gives the same sequence. VCF-style (leftmost placement, unchanged base first): chr13-32354993-TC-T. GRCh37 (hg19) VCF-style: chr13-32929130-TC-T.
Other names: 7370delC; c.7142delC (NM_000059.3); short protein forms P2381fs.
Identifiers: ClinVar variation 91471 (VCV000091471.13), dbSNP rs398122576, ClinGen allele CA024902.

ClinVar aggregate classification (germline): Pathogenic. Review status: reviewed by expert panel (3 of 4 stars). 4 submissions from 4 submitters: Pathogenic (1). 3 of the submissions do not count toward it. Last evaluated 2016-09-08.

Conditions:
Hereditary cancer-predisposing syndrome. Also called: Tumor predisposition; Hereditary Cancer Syndrome; Neoplastic Syndromes, Hereditary; Hereditary neoplastic syndrome. Identifiers: Orphanet 140162, MedGen C0027672, MeSH D009386, MONDO:0015356.
Hereditary breast ovarian cancer syndrome. Also called: Breast and ovarian cancer; Hereditary breast and ovarian cancer; Hereditary breast and ovarian cancer syndrome; BRCA1- and BRCA2-Associated Hereditary Breast and Ovarian Cancer; Hereditary breast and ovarian cancer syndrome (HBOC); Hereditary breast and/or ovarian cancer syndrome. Identifiers: Orphanet 145, MedGen C0677776, MeSH D061325, MONDO:0003582. Disease mechanism: loss of function.
Breast-ovarian cancer, familial, susceptibility to, 2 (BROVCA2). Also called: BRCA2 Hereditary Breast and Ovarian Cancer. Identifiers: Orphanet 145, MedGen C2675520, MONDO:0012933, OMIM 612555. Disease mechanism: loss of function.

Submissions (4):

Evidence-based Network for the Interpretation of Germline Mutant Alleles (ENIGMA)
Classification: Pathogenic for Breast-ovarian cancer, familial, susceptibility to, 2. Last evaluated: 2016-09-08. Review status: reviewed by expert panel. Criteria: ENIGMA BRCA1/2 Classification Criteria (2015). Collection method: curation. Allele origin: germline.
Comment: Variant allele predicted to encode a truncated non-functional protein.

Labcorp Genetics (formerly Invitae), Labcorp
Classification: Pathogenic for Hereditary breast ovarian cancer syndrome. Last evaluated: 2026-01-28. Review status: criteria provided, single submitter. Criteria: Invitae Variant Classification Sherloc (09022015). Collection method: clinical testing. Allele origin: germline. Not counted in ClinVar's aggregate classification.
Comment: This sequence change creates a premature translational stop signal (p.Pro2381Hisfs*13) in the BRCA2 gene. It is expected to result in an absent or disrupted protein product. Loss-of-function variants in BRCA2 are known to be pathogenic (PMID: 20104584). This variant is not present in population databases (gnomAD no frequency). This premature translational stop signal has been observed in individual(s) with breast and/or ovarian cancer (PMID: 25927356, 28176296, 30702160). ClinVar contains an entry for this variant (Variation ID: 91471). For these reasons, this variant has been classified as Pathogenic.

Ambry Genetics
Classification: Pathogenic for Hereditary cancer-predisposing syndrome. Last evaluated: 2024-06-27. Review status: criteria provided, single submitter. Criteria: Ambry Variant Classification Scheme 2023. Collection method: clinical testing. Allele origin: germline. Not counted in ClinVar's aggregate classification.
Comment: The c.7142delC pathogenic mutation, located in coding exon 13 of the BRCA2 gene, results from a deletion of one nucleotide at nucleotide position 7142, causing a translational frameshift with a predicted alternate stop codon (p.P2381Hfs*13). This pathogenic variant has been reported in multiple Chinese patients diagnosed with breast and/or ovarian cancer (Yang X et al. PLoS One. 2015 Apr;10:e0125571; Kim YC et al. Oncotarget. 2016 Feb;7:9600-12; Shi T et al. Int J Cancer. 2017 05;140:2051-2059). In addition to the clinical data presented in the literature, this alteration is expected to result in loss of function by premature protein truncation or nonsense-mediated mRNA decay. As such, this alteration is interpreted as a disease-causing mutation.

Sharing Clinical Reports Project (SCRP)
Classification: Pathogenic for Breast-ovarian cancer, familial 2. Last evaluated: 2013-04-18. Review status: no assertion criteria provided. Collection method: clinical testing. Allele origin: germline. Not counted in ClinVar's aggregate classification.

Literature cited by the submitters: PubMed 20104584 (cited by Labcorp Genetics (formerly Invitae), Labcorp); PubMed 25927356 (cited by Labcorp Genetics (formerly Invitae), Labcorp and Ambry Genetics); PubMed 28176296 (cited by Labcorp Genetics (formerly Invitae), Labcorp and Ambry Genetics); PubMed 30702160 (cited by Labcorp Genetics (formerly Invitae), Labcorp); PubMed 26848529 (cited by Ambry Genetics).